The following is an entry in ClinVar:

NM_015346.4(ZFYVE26):c.74G>C (p.Arg25Pro)

Gene: ZFYVE26 (zinc finger FYVE-type containing 26; minus strand). Cytogenetic location: 14q24.1.
Variant type: single nucleotide variant.
Coding change: c.74G>C on transcript NM_015346.4 (MANE Select); coding-DNA position 74, G replaced by C.
Protein change: p.Arg25Pro; replaces arginine 25 with proline.
Molecular consequence: missense variant.
Genome position (GRCh38, 1-based): chr14:67,815,890, C>G on the plus strand (G>C on the coding strand, the complement: ZFYVE26 is on the minus strand). VCF-style: chr14-67815890-C-G. GRCh37 (hg19) VCF-style: chr14-68282607-C-G.
Other names: short protein forms R25P.
Identifiers: ClinVar variation 695286 (VCV000695286.15), dbSNP rs148104959, ClinGen allele CA7240898.

ClinVar aggregate classification (germline): Conflicting classifications of pathogenicity. Review status: criteria provided, conflicting classifications (1 of 4 stars). 4 submissions from 4 submitters: Uncertain significance (2); Likely benign (2). Last evaluated 2026-01-24.

Conditions:
ZFYVE26-related disorder. Also called: ZFYVE26-related condition.
Inborn genetic diseases. Identifiers: MedGen C0950123, MeSH D030342.
Spastic paraplegia. Identifiers: MedGen C0037772, HP:0001258.

Allele frequency attached by ClinVar (database versions not stated): gnomAD exomes 0.00017; ExAC 0.00019; gnomAD 0.00075 and 0.00076; TOPMed 0.00081; 1000 Genomes Project 0.00100; 1000 Genomes Project 30x 0.00109; ESP Exome Variant Server 0.00146.
gnomAD v4.1: 195 of 1,614,044 alleles (0.012%); highest among the groups gnomAD compares: African/African-American, 0.24%; 1 homozygote.

Submissions (4):

Labcorp Genetics (formerly Invitae), Labcorp
Classification: Likely benign for Spastic paraplegia. Last evaluated: 2026-01-24. Review status: criteria provided, single submitter. Criteria: Invitae Variant Classification Sherloc (09022015). Collection method: clinical testing. Allele origin: germline.

PreventionGenetics, part of Exact Sciences
Classification: Uncertain significance for ZFYVE26-related condition. Last evaluated: 2025-09-30. Review status: criteria provided, single submitter. Criteria: ACMG Guidelines, 2015. Collection method: clinical testing. Allele origin: germline.
Comment: The ZFYVE26 c.74G>C variant is predicted to result in the amino acid substitution p.Arg25Pro. To our knowledge, this variant has not been reported in the literature. This variant is reported in 0.25% of alleles in individuals of African descent in gnomAD, which is much higher than expected for a deleterious variant associated with disease. While we suspect that this variant could be benign, at this time the clinical significance of this variant is uncertain due to the absence of conclusive functional and genetic evidence.

GeneDx
Classification: Uncertain significance. Last evaluated: 2025-09-06. Review status: criteria provided, single submitter. Criteria: GeneDx Variant Classification Process June 2021. Collection method: clinical testing. Allele origin: germline.
Comment: In silico analysis suggests that this missense variant does not alter protein structure/function; Has not been previously published as pathogenic or benign to our knowledge

Ambry Genetics
Classification: Likely benign for Inborn genetic diseases. Last evaluated: 2025-04-25. Review status: criteria provided, single submitter. Criteria: Ambry Variant Classification Scheme 2023. Collection method: clinical testing. Allele origin: germline.